The following is an entry in ClinVar:

NM_014712.3(SETD1A):c.2713G>A (p.Glu905Lys)

Gene: SETD1A (SET domain containing 1A, histone lysine methyltransferase; plus strand). Cytogenetic location: 16p11.2.
Variant type: single nucleotide variant.
Coding change: c.2713G>A on transcript NM_014712.3 (MANE Select); coding-DNA position 2713, G replaced by A.
Protein change: p.Glu905Lys; replaces glutamic acid 905 with lysine.
Molecular consequence: missense variant.
Genome position (GRCh38, 1-based): chr16:30,967,531, G>A. VCF-style: chr16-30967531-G-A. GRCh37 (hg19) VCF-style: chr16-30978852-G-A.
Other names: c.2713G>A (NM_014712.1); short protein forms E905K.
Identifiers: ClinVar variation 2435836 (VCV002435836.5), dbSNP rs773925969, ClinGen allele CA8017005.

ClinVar aggregate classification (germline): Uncertain significance. Review status: criteria provided, multiple submitters, no conflicts (2 of 4 stars). 3 submissions from 3 submitters: Uncertain significance (3). Last evaluated 2024-11-12.

Conditions:
Inborn genetic diseases. Identifiers: MedGen C0950123, MeSH D030342.

Allele frequency attached by ClinVar (database versions not stated): ExAC 0.00001; gnomAD exomes 0.00001; gnomAD 0.00003; TOPMed 0.00003.
gnomAD v4.1: 17 of 1,613,762 alleles (0.0011%); highest among the groups gnomAD compares: African/African-American, 0.0027%; no homozygotes.

Submissions (3):

Ambry Genetics
Classification: Uncertain significance for Inborn genetic diseases. Last evaluated: 2024-11-12. Review status: criteria provided, single submitter. Criteria: Ambry Variant Classification Scheme 2023. Collection method: clinical testing. Allele origin: germline.

Greenwood Genetic Center Diagnostic Laboratories, Greenwood Genetic Center
Classification: Uncertain significance. Last evaluated: 2024-04-14. Review status: criteria provided, single submitter. Criteria: ACMG Guidelines, 2015. Collection method: clinical testing. Allele origin: germline. Affected: yes.
Comment: PM2, BP3

Revvity Omics, Revvity
Classification: Uncertain significance. Last evaluated: 2022-03-08. Review status: criteria provided, single submitter. Criteria: ACMG Guidelines, 2015. Collection method: clinical testing. Allele origin: germline.